The following is an entry in ClinVar:

ClinVar aggregate classification (germline): Uncertain significance (1 of 4 stars; one submission).

Conditions:
Hereditary breast ovarian cancer syndrome. Also called: BRCA1- and BRCA2-Associated Hereditary Breast and Ovarian Cancer; Hereditary breast and ovarian cancer syndrome (HBOC); Hereditary breast and/or ovarian cancer syndrome; Hereditary breast and ovarian cancer syndrome; Breast and ovarian cancer; Hereditary breast and ovarian cancer. Identifiers: Orphanet 145, MedGen C0677776, MeSH D061325, MONDO:0003582. Disease mechanism: loss of function.

Allele frequency attached by ClinVar (database versions not stated): gnomAD exomes below 0.00001.
gnomAD v4.1: 1 of 1,613,708 alleles (0.000062%); highest among the groups gnomAD compares: Non-Finnish European, 0.000085%; no homozygotes.

Submission:

Labcorp Genetics (formerly Invitae), Labcorp
Classification: Uncertain significance for Hereditary breast ovarian cancer syndrome. Last evaluated: 2022-11-28. Review status: criteria provided, single submitter. Criteria: Invitae Variant Classification Sherloc (09022015). Collection method: clinical testing. Allele origin: germline.
Comment: Advanced modeling of protein sequence and biophysical properties (such as structural, functional, and spatial information, amino acid conservation, physicochemical variation, residue mobility, and thermodynamic stability) performed at Invitae indicates that this missense variant is not expected to disrupt BRCA2 protein function. This variant has not been reported in the literature in individuals affected with BRCA2-related conditions. This variant is not present in population databases (gnomAD no frequency). This sequence change replaces cysteine, which is neutral and slightly polar, with serine, which is neutral and polar, at codon 916 of the BRCA2 protein (p.Cys916Ser). In summary, the available evidence is currently insufficient to determine the role of this variant in disease. Therefore, it has been classified as a Variant of Uncertain Significance.

NM_000059.4(BRCA2):c.2747G>C (p.Cys916Ser)

Gene: BRCA2 (BRCA2 DNA repair associated; plus strand). Cytogenetic location: 13q13.1.
Variant type: single nucleotide variant.
Coding change: c.2747G>C on transcript NM_000059.4 (MANE Select); coding-DNA position 2747, G replaced by C.
Protein change: p.Cys916Ser; replaces cysteine 916 with serine.
Molecular consequence: missense variant. On other transcripts: non-coding transcript variant (1), intron variant (2).
Genome position (GRCh38, 1-based): chr13:32,337,102, G>C. VCF-style: chr13-32337102-G-C. GRCh37 (hg19) VCF-style: chr13-32911239-G-C.
Other names: c.2747G>C, p.Cys916Ser (NM_001406719.1, NM_001406720.1); c.1909+3715G>C (NM_001406721.1); c.424+6072G>C (NM_001406722.1); short protein forms C916S.
Identifiers: ClinVar variation 3009669 (VCV003009669.3), dbSNP rs2072463871, ClinGen allele CA387773633.